The following is an entry in ClinVar:

ClinVar aggregate classification (germline): Uncertain significance. Review status: criteria provided, multiple submitters, no conflicts (2 of 4 stars). 2 submissions from 2 submitters: Uncertain significance (2). Last evaluated 2025-08-13.

Conditions:
Inborn genetic diseases. Identifiers: MedGen C0950123, MeSH D030342.

Allele frequency attached by ClinVar (database versions not stated): ExAC 0.00007; gnomAD exomes 0.00007 and 0.00029; TOPMed 0.00007; gnomAD 0.00009 and 0.00010; ESP Exome Variant Server 0.00016.
gnomAD v4.1: 439 of 1,613,678 alleles (0.027%); highest among the groups gnomAD compares: Non-Finnish European, 0.035%; 1 homozygote.

Submissions (2):

Ambry Genetics
Classification: Uncertain significance for Inborn genetic diseases. Last evaluated: 2025-08-13. Review status: criteria provided, single submitter. Criteria: Ambry Variant Classification Scheme 2023. Collection method: clinical testing. Allele origin: germline.

Labcorp Genetics (formerly Invitae), Labcorp
Classification: Uncertain significance. Last evaluated: 2022-03-19. Review status: criteria provided, single submitter. Criteria: Invitae Variant Classification Sherloc (09022015). Collection method: clinical testing. Allele origin: germline.
Comment: This sequence change replaces aspartic acid, which is acidic and polar, with glycine, which is neutral and non-polar, at codon 3574 of the PCLO protein (p.Asp3574Gly). This variant is present in population databases (rs201013392, gnomAD 0.02%). This variant has not been reported in the literature in individuals affected with PCLO-related conditions. Algorithms developed to predict the effect of missense changes on protein structure and function are either unavailable or do not agree on the potential impact of this missense change (SIFT: "Deleterious"; PolyPhen-2: "Not Available"; Align-GVGD: "Class C0"). In summary, the available evidence is currently insufficient to determine the role of this variant in disease. Therefore, it has been classified as a Variant of Uncertain Significance.

NM_033026.6(PCLO):c.10721A>G (p.Asp3574Gly)

Gene: PCLO (piccolo presynaptic cytomatrix protein; minus strand). Cytogenetic location: 7q21.11.
Variant type: single nucleotide variant.
Coding change: c.10721A>G on transcript NM_033026.6 (MANE Select); coding-DNA position 10721, A replaced by G.
Protein change: p.Asp3574Gly; replaces aspartic acid 3574 with glycine.
Molecular consequence: missense variant.
Genome position (GRCh38, 1-based): chr7:82,949,867, T>C on the plus strand (A>G on the coding strand, the complement: PCLO is on the minus strand). VCF-style: chr7-82949867-T-C. GRCh37 (hg19) VCF-style: chr7-82579183-T-C.
Other names: c.10721A>G (NM_033026.5); c.10721A>G, p.Asp3574Gly (NM_014510.3); short protein forms D3574G.
Identifiers: ClinVar variation 1420384 (VCV001420384.7), dbSNP rs201013392, ClinGen allele CA4319694.